The following is an entry in ClinVar:

ClinVar aggregate classification (germline): Uncertain significance (1 of 4 stars; one submission).

Conditions:
Developmental and epileptic encephalopathy, 27 (DEE27). Also called: GRIN2B-Related Neurodevelopmental Disorder; Epileptic encephalopathy, early infantile, 27. Identifiers: Orphanet 3451, MedGen C4015316, MONDO:0014505, OMIM 616139.
Intellectual developmental disorder, autosomal dominant 6, with or without seizures. Also called: GRIN2B-related developmental delay, intellectual disability and autism spectrum disorder; Intellectual disability, autosomal dominant 6. Identifiers: Orphanet 589547, MedGen C3151411, MONDO:0013509, OMIM 613970.

Allele frequency attached by ClinVar (database versions not stated): gnomAD exomes below 0.00001.
gnomAD v4.1: 1 of 1,613,794 alleles (0.000062%); highest among the groups gnomAD compares: Non-Finnish European, 0.000085%; no homozygotes.

Submission:

Labcorp Genetics (formerly Invitae), Labcorp
Classification: Uncertain significance for Developmental and epileptic encephalopathy, 27; Intellectual developmental disorder, autosomal dominant 6, with or without seizures. Last evaluated: 2024-05-06. Review status: criteria provided, single submitter. Criteria: Invitae Variant Classification Sherloc (09022015). Collection method: clinical testing. Allele origin: germline.
Comment: This sequence change replaces proline, which is neutral and non-polar, with arginine, which is basic and polar, at codon 435 of the GRIN2B protein (p.Pro435Arg). This variant is not present in population databases (gnomAD no frequency). This variant has not been reported in the literature in individuals affected with GRIN2B-related conditions. ClinVar contains an entry for this variant (Variation ID: 2038431). Advanced modeling of protein sequence and biophysical properties (such as structural, functional, and spatial information, amino acid conservation, physicochemical variation, residue mobility, and thermodynamic stability) performed at Invitae indicates that this missense variant is expected to disrupt GRIN2B protein function with a positive predictive value of 80%. In summary, the available evidence is currently insufficient to determine the role of this variant in disease. Therefore, it has been classified as a Variant of Uncertain Significance.

NM_000834.5(GRIN2B):c.1304C>G (p.Pro435Arg)

Gene: GRIN2B (glutamate ionotropic receptor NMDA type subunit 2B; minus strand). Cytogenetic location: 12p13.1.
Variant type: single nucleotide variant.
Coding change: c.1304C>G on transcript NM_000834.5 (MANE Select); coding-DNA position 1304, C replaced by G.
Protein change: p.Pro435Arg; replaces proline 435 with arginine.
Molecular consequence: missense variant.
Genome position (GRCh38, 1-based): chr12:13,616,479, G>C on the plus strand (C>G on the coding strand, the complement: GRIN2B is on the minus strand). VCF-style: chr12-13616479-G-C. GRCh37 (hg19) VCF-style: chr12-13769413-G-C.
Other names: c.1304C>G, p.Pro435Arg (NM_001413992.1); short protein forms P435R.
Identifiers: ClinVar variation 2038431 (VCV002038431.4), dbSNP rs2497602184, ClinGen allele CA384052489.